The following is an entry in ClinVar:

ClinVar aggregate classification (germline): Likely benign (1 of 4 stars; one submission).

Conditions:
HK1-related disorder. Also called: HK1-related condition; HK1-related disorders.

gnomAD v4.1: 55 of 1,608,162 alleles (0.0034%); highest among the groups gnomAD compares: Non-Finnish European, 0.0045%; no homozygotes.

Submission:

PreventionGenetics, part of Exact Sciences
Classification: Likely benign for HK1-related condition. Last evaluated: 2026-03-23. Review status: criteria provided, single submitter. Criteria: ACMG Guidelines, 2015. Collection method: clinical testing. Allele origin: germline.
Comment: This variant is classified as likely benign based on ACMG/AMP sequence variant interpretation guidelines (Richards et al. 2015 PMID: 25741868, with internal and published modifications).

NM_001358263.1(HK1):c.75+5154G>A

Gene: HK1 (hexokinase 1; plus strand). Cytogenetic location: 10q22.1.
Variant type: single nucleotide variant.
Coding change: c.75+5154G>A on transcript NM_001358263.1 (MANE Plus Clinical); 5154 bases into the intron after coding-DNA position 75, G replaced by A.
Molecular consequence: intron variant. On other transcripts: 5 prime UTR variant (1).
Genome position (GRCh38, 1-based): chr10:69,300,834, G>A. VCF-style: chr10-69300834-G-A. GRCh37 (hg19) VCF-style: chr10-71060590-G-A.
Other names: c.-1G>A (NM_033500.2); c.168+5154G>A (NM_001322365.2); c.75+5154G>A (NM_033498.3, NM_033497.3, NM_001322364.2).
Identifiers: ClinVar variation 4984652 (VCV004984652.1).
Genomic context (GRCh38, chr10:69,300,834, plus strand): 5'-TTGATGCTCTTGAGAGCATCAGCCAGGACATTAATGTGCACCACTGTGGTGGCGTGGAAA[G>A]ATGGCAAAAAGAGCCCTGCATGATTTTGTACGTAGAAAATCCTGGAATACCCACAAAAAC-3'